The following is an entry in ClinVar:

ClinVar aggregate classification (germline): Uncertain significance (1 of 4 stars; one submission).

Conditions:
Autosomal dominant childhood-onset proximal spinal muscular atrophy with contractures (SMALED2A). Also called: SPINAL MUSCULAR ATROPHY, LOWER EXTREMITY-PREDOMINANT, 2A, CHILDHOOD ONSET, AUTOSOMAL DOMINANT; Spinal muscular atrophy, lower extremity-predominant, 2A, autosomal dominant. Identifiers: Orphanet 363447, Orphanet 363454, MedGen C4747715, MONDO:0014121, OMIM 615290.

Allele frequency attached by ClinVar (database versions not stated): gnomAD exomes below 0.00001.

Submission:

Labcorp Genetics (formerly Invitae), Labcorp
Classification: Uncertain significance for Autosomal dominant childhood-onset proximal spinal muscular atrophy with contractures. Last evaluated: 2021-06-08. Review status: criteria provided, single submitter. Criteria: Invitae Variant Classification Sherloc (09022015). Collection method: clinical testing. Allele origin: germline.
Comment: This variant, c.2209_2211del, results in the deletion of 1 amino acid(s) of the BICD2 protein (p.Lys737del), but otherwise preserves the integrity of the reading frame. This variant is not present in population databases (ExAC no frequency). This variant has not been reported in the literature in individuals with BICD2-related conditions. Experimental studies and prediction algorithms are not available or were not evaluated, and the functional significance of this variant is currently unknown. In summary, the available evidence is currently insufficient to determine the role of this variant in disease. Therefore, it has been classified as a Variant of Uncertain Significance.

NM_001003800.2(BICD2):c.2209_2211del (p.Lys737del)

Gene: BICD2 (BICD cargo adaptor 2; minus strand). Cytogenetic location: 9q22.31.
Variant type: Deletion.
Coding change: c.2209_2211del on transcript NM_001003800.2 (MANE Select); coding-DNA positions 2209 to 2211, 3 bases deleted (AAG; older notation c.2209_2211delAAG).
Protein change: p.Lys737del; deletes lysine 737.
Molecular consequence: inframe deletion.
Genome position (GRCh38, 1-based): chr9:92,717,844-92,717,846, CTT deleted on the plus strand (AAG on the coding strand, the reverse complement: BICD2 is on the minus strand). VCF-style (leftmost placement, unchanged base first): chr9-92717843-CCTT-C. GRCh37 (hg19) VCF-style: chr9-95480125-CCTT-C.
Other names: c.2209_2211del, p.Lys737del (NM_015250.4); short protein forms K737del.
Identifiers: ClinVar variation 1433997 (VCV001433997.8), dbSNP rs2131498680, ClinGen allele CA2573144797.
Genomic context (GRCh38, chr9:92,717,843, plus strand): 5'-AGCAGCACGGTTACCTGGTGGCAAACATAGCACGCAGCGAGGAGAAGGTGGCTGCGTCCT[CCTT>C]GAGGGCCTTGAGCTCATTGCGCAGCTTCATCATGGTCTCGGTAACCATGGCCTTCTCATT-3'